The following is an entry in ClinVar:

NM_175914.5(HNF4A):c.50-4685A>C

Gene: HNF4A (hepatocyte nuclear factor 4 alpha; plus strand). Cytogenetic location: 20q13.12.
Variant type: single nucleotide variant.
Coding change: c.50-4685A>C on transcript NM_175914.5 (MANE Select); 4685 bases into the intron before coding-DNA position 50, A replaced by C.
Molecular consequence: intron variant. On other transcripts: missense variant (3), initiator codon variant (3), 5 prime UTR variant (1).
Genome position (GRCh38, 1-based): chr20:44,401,373, A>C. VCF-style: chr20-44401373-A-C. GRCh37 (hg19) VCF-style: chr20-43030013-A-C.
Other names: c.1A>C, p.Met1Leu (NM_000457.6, NM_178849.3, NM_178850.3); c.-112A>C (NM_001258355.2); c.41-4685A>C (NM_001287182.2, NM_001287183.2, NM_001287184.2); c.50-4685A>C (NM_001030003.3, NM_001030004.3); short protein forms M1L.
Identifiers: ClinVar variation 4688713 (VCV004688713.1).

ClinVar aggregate classification (germline): Benign (1 of 4 stars; one submission).

Submission:

Women's Health and Genetics/Laboratory Corporation of America, LabCorp
Classification: Benign. Last evaluated: 2025-12-01. Review status: criteria provided, single submitter. Criteria: LabCorp Variant Classification Summary - May 2015. Collection method: clinical testing. Allele origin: germline.
Comment: Variant summary: HNF4A c.50-4685A>C is located at a position not widely known to affect splicing. Consensus agreement among computation tools predict no significant impact on normal splicing. However, these predictions have yet to be confirmed by functional studies. The variant allele was found at a frequency of 0.00014 in 251404 control chromosomes in the gnomAD database, including 1 homozygotes. The observed variant frequency exceeds the estimated maximal expected allele frequency for disease-causing variants in HNF4A. To our knowledge, no occurrence of c.50-4685A>C in individuals affected with HNF4A-related conditions and no experimental evidence demonstrating its impact on protein function have been reported. No submitters have cited clinical-significance assessments for this variant to ClinVar. Based on the evidence outlined above, the variant was classified as benign.